The following is an entry in ClinVar:

NM_001458.5(FLNC):c.7912G>A (p.Val2638Met)

Genes: FLNC-AS1 (FLNC antisense RNA 1; minus strand), FLNC (filamin C; plus strand). Cytogenetic location: 7q32.1.
Variant type: single nucleotide variant.
Coding change: c.7912G>A on transcript NM_001458.5 (MANE Select); coding-DNA position 7912, G replaced by A.
Protein change: p.Val2638Met; replaces valine 2638 with methionine.
Molecular consequence: missense variant.
Genome position (GRCh38, 1-based): chr7:128,858,139, G>A. VCF-style: chr7-128858139-G-A. GRCh37 (hg19) VCF-style: chr7-128498193-G-A.
Other names: c.7813G>A, p.Val2605Met (NM_001127487.2); short protein forms V2605M, V2638M.
Identifiers: ClinVar variation 3757535 (VCV003757535.2).

ClinVar aggregate classification (germline): Uncertain significance (1 of 4 stars; one submission).

Conditions:
Distal myopathy with posterior leg and anterior hand involvement. Also called: WILLIAMS DISTAL MYOPATHY. Identifiers: Orphanet 63273, MedGen C3279722, MONDO:0013550, OMIM 614065.
Hypertrophic cardiomyopathy 26. Also called: Cardiomyopathy, familial hypertrophic, 26. Identifiers: Orphanet 75249, MedGen C4310749, MONDO:0014883, OMIM 617047.
Myofibrillar myopathy 5. Also called: Filaminopathy (type); FILAMINOPATHY, AUTOSOMAL DOMINANT. Identifiers: Orphanet 171445, MedGen C1836050, MONDO:0012289, OMIM 609524.

Submission:

Labcorp Genetics (formerly Invitae), Labcorp
Classification: Uncertain significance for Distal myopathy with posterior leg and anterior hand involvement; Myofibrillar myopathy 5; Hypertrophic cardiomyopathy 26. Last evaluated: 2024-08-05. Review status: criteria provided, single submitter. Criteria: Invitae Variant Classification Sherloc (09022015). Collection method: clinical testing. Allele origin: germline.
Comment: This sequence change replaces valine, which is neutral and non-polar, with methionine, which is neutral and non-polar, at codon 2638 of the FLNC protein (p.Val2638Met). This variant is not present in population databases (gnomAD no frequency). This variant has not been reported in the literature in individuals affected with FLNC-related conditions. Advanced modeling of protein sequence and biophysical properties (such as structural, functional, and spatial information, amino acid conservation, physicochemical variation, residue mobility, and thermodynamic stability) performed at Invitae indicates that this missense variant is not expected to disrupt FLNC protein function with a negative predictive value of 95%. In summary, the available evidence is currently insufficient to determine the role of this variant in disease. Therefore, it has been classified as a Variant of Uncertain Significance.